The following is an entry in ClinVar:

ClinVar aggregate classification (germline): Uncertain significance (1 of 4 stars; one submission).

Conditions:
Kabuki syndrome. Also called: Kabuki make-up syndrome; NIIKAWA-KUROKI SYNDROME. Identifiers: Orphanet 2322, MedGen C0796004, MONDO:0016512.

gnomAD v4.1: 5 of 1,587,264 alleles (0.00032%); highest among the groups gnomAD compares: African/African-American, 0.0013%; no homozygotes.

Submission:

Labcorp Genetics (formerly Invitae), Labcorp
Classification: Uncertain significance for Kabuki syndrome. Last evaluated: 2024-08-08. Review status: criteria provided, single submitter. Criteria: Invitae Variant Classification Sherloc (09022015). Collection method: clinical testing. Allele origin: germline.
Comment: This sequence change falls in intron 5 of the KMT2D gene. It does not directly change the encoded amino acid sequence of the KMT2D protein. This variant is not present in population databases (gnomAD no frequency). This variant has not been reported in the literature in individuals affected with KMT2D-related conditions. Algorithms developed to predict the effect of sequence changes on RNA splicing suggest that this variant may disrupt the consensus splice site. In summary, the available evidence is currently insufficient to determine the role of this variant in disease. Therefore, it has been classified as a Variant of Uncertain Significance.

NM_003482.4(KMT2D):c.674-9C>G

Gene: KMT2D (lysine methyltransferase 2D; minus strand). Cytogenetic location: 12q13.12.
Variant type: single nucleotide variant.
Coding change: c.674-9C>G on transcript NM_003482.4 (MANE Select); 9 bases into the intron before coding-DNA position 674, C replaced by G.
Molecular consequence: intron variant.
Genome position (GRCh38, 1-based): chr12:49,053,650, G>C on the plus strand (C>G on the coding strand, the complement: KMT2D is on the minus strand). VCF-style: chr12-49053650-G-C. GRCh37 (hg19) VCF-style: chr12-49447433-G-C.
Identifiers: ClinVar variation 3702984 (VCV003702984.2).
Genomic context (GRCh38, chr12:49,053,650, plus strand): 5'-AACAGGTCACACAACTCCCCTGGCCCCTCACACACTGCACAGCGAGCCTCCTCTGCAGGG[G>C]GTAGAGACACCACAGGTCAGCTATGGATTCCTTGTAAGCCTCAGCACATTGCTGTACACA-3'